The following is an entry in ClinVar:

ClinVar aggregate classification (germline): Conflicting classifications of pathogenicity. Review status: criteria provided, conflicting classifications (1 of 4 stars). 2 submissions from 2 submitters: Likely pathogenic (1); Uncertain significance (1). Last evaluated 2025-12-22.

Conditions:
Hereditary cancer-predisposing syndrome. Also called: Neoplastic Syndromes, Hereditary; Tumor predisposition; Hereditary Cancer Syndrome; Hereditary neoplastic syndrome. Identifiers: Orphanet 140162, MedGen C0027672, MeSH D009386, MONDO:0015356.
Retinoblastoma (RB1). Also called: RETINOBLASTOMA, SOMATIC. Identifiers: Orphanet 790, MedGen C0035335, MeSH D012175, MONDO:0008380, OMIM 180200, HP:0009919. Disease mechanism: loss of function. Inheritance: Both sporadic and heritable forms are tested..

Submissions (2):

Ambry Genetics
Classification: Likely pathogenic for Hereditary cancer-predisposing syndrome. Last evaluated: 2025-12-22. Review status: criteria provided, single submitter. Criteria: Ambry Variant Classification Scheme 2023. Collection method: clinical testing. Allele origin: germline.
Comment: The c.1047C>T variant (also known as p.D349D), located in coding exon 10 of the RB1 gene, results from a C to T substitution at nucleotide position 1047. This nucleotide substitution does not change the amino acid at codon 349. This variant was identified in one or more individuals with features consistent with RB1-associated disease (Ambry internal data; Gerrish, A et al. Cancers (Basel) 2024 Apr;16(8)). This nucleotide position is not well conserved in available vertebrate species. In silico splice site analysis predicts that this alteration will weaken the native splice donor site. RNA studies have demonstrated that this alteration results in abnormal splicing in the set of samples tested (Ambry internal data). This variant is considered to be rare based on population cohorts in the Genome Aggregation Database (gnomAD). Based on the majority of available evidence to date, this variant is likely to be pathogenic.

Labcorp Genetics (formerly Invitae), Labcorp
Classification: Uncertain significance for Retinoblastoma. Last evaluated: 2022-08-21. Review status: criteria provided, single submitter. Criteria: Invitae Variant Classification Sherloc (09022015). Collection method: clinical testing. Allele origin: germline.
Comment: This sequence change affects codon 349 of the RB1 mRNA. It is a 'silent' change, meaning that it does not change the encoded amino acid sequence of the RB1 protein. This variant is not present in population databases (gnomAD no frequency). This variant has not been reported in the literature in individuals affected with RB1-related conditions. Algorithms developed to predict the effect of sequence changes on RNA splicing suggest that this variant may disrupt the consensus splice site. In summary, the available evidence is currently insufficient to determine the role of this variant in disease. Therefore, it has been classified as a Variant of Uncertain Significance.

Literature cited by the submitters: PubMed 38672657 (cited by Ambry Genetics).

NM_000321.3(RB1):c.1047C>T (p.Asp349=)

Gene: RB1 (RB transcriptional corepressor 1; plus strand). Cytogenetic location: 13q14.2.
Variant type: single nucleotide variant.
Coding change: c.1047C>T on transcript NM_000321.3 (MANE Select); coding-DNA position 1047, C replaced by T.
Protein change: p.Asp349=; no amino-acid change (aspartic acid 349 retained).
Molecular consequence: synonymous variant.
Genome position (GRCh38, 1-based): chr13:48,367,601, C>T. VCF-style: chr13-48367601-C-T. GRCh37 (hg19) VCF-style: chr13-48941737-C-T.
Other names: c.1047C>T, p.Asp349= (NM_001407165.1, NM_001407166.1).
Identifiers: ClinVar variation 2025764 (VCV002025764.5), dbSNP rs2138121537, ClinGen allele CA483558239.